The following is an entry in ClinVar:

NM_002972.4(SBF1):c.2525G>A (p.Gly842Glu)

Gene: SBF1 (SET binding factor 1; minus strand). Cytogenetic location: 22q13.33.
Variant type: single nucleotide variant.
Coding change: c.2525G>A on transcript NM_002972.4 (MANE Select); coding-DNA position 2525, G replaced by A.
Protein change: p.Gly842Glu; replaces glycine 842 with glutamic acid.
Molecular consequence: missense variant.
Genome position (GRCh38, 1-based): chr22:50,461,991, C>T on the plus strand (G>A on the coding strand, the complement: SBF1 is on the minus strand). VCF-style: chr22-50461991-C-T. GRCh37 (hg19) VCF-style: chr22-50900420-C-T.
Other names: c.2528G>A, p.Gly843Glu (NM_001365819.1, NM_001410794.1); c.2525G>A, p.Gly842Glu (NM_001410795.1, NM_197971.1); short protein forms G843E, G842E.
Identifiers: ClinVar variation 2016433 (VCV002016433.4), dbSNP rs2067534854, ClinGen allele CA412209114.

ClinVar aggregate classification (germline): Uncertain significance (1 of 4 stars; one submission).

Allele frequency attached by ClinVar (database versions not stated): gnomAD exomes below 0.00001; TOPMed below 0.00001; gnomAD 0.00001.
gnomAD v4.1: 2 of 1,614,096 alleles (0.00012%); highest among the groups gnomAD compares: African/African-American, 0.0013%; no homozygotes.

Submission:

Labcorp Genetics (formerly Invitae), Labcorp
Classification: Uncertain significance. Last evaluated: 2022-08-18. Review status: criteria provided, single submitter. Criteria: Invitae Variant Classification Sherloc (09022015). Collection method: clinical testing. Allele origin: germline.
Comment: In summary, the available evidence is currently insufficient to determine the role of this variant in disease. Therefore, it has been classified as a Variant of Uncertain Significance. Algorithms developed to predict the effect of missense changes on protein structure and function are either unavailable or do not agree on the potential impact of this missense change (SIFT: "Deleterious"; PolyPhen-2: "Probably Damaging"; Align-GVGD: "Class C0"). This variant has not been reported in the literature in individuals affected with SBF1-related conditions. This variant is not present in population databases (gnomAD no frequency). This sequence change replaces glycine, which is neutral and non-polar, with glutamic acid, which is acidic and polar, at codon 842 of the SBF1 protein (p.Gly842Glu).